The following is an entry in ClinVar:

NM_000051.4(ATM):c.6967T>C (p.Cys2323Arg)

Genes: ATM (ATM serine/threonine kinase; plus strand), C11orf65 (chromosome 11 open reading frame 65; minus strand). Cytogenetic location: 11q22.3.
Variant type: single nucleotide variant.
Coding change: c.6967T>C on transcript NM_000051.4 (MANE Select); coding-DNA position 6967, T replaced by C.
Protein change: p.Cys2323Arg; replaces cysteine 2323 with arginine.
Molecular consequence: missense variant. On other transcripts: intron variant (2).
Genome position (GRCh38, 1-based): chr11:108,326,217, T>C. VCF-style: chr11-108326217-T-C. GRCh37 (hg19) VCF-style: chr11-108196944-T-C.
Other names: c.6967T>C, p.Cys2323Arg (NM_001351834.2); c.641-17146A>G (NM_001330368.2); c.*38+9003A>G (NM_001351110.2); short protein forms C2323R.
Identifiers: ClinVar variation 3720472 (VCV003720472.2).

ClinVar aggregate classification (germline): Uncertain significance (1 of 4 stars; one submission).

Conditions:
Ataxia-telangiectasia syndrome (AT). Also called: Ataxia-telangiectasia, complementation group D; AT, COMPLEMENTATION GROUP C; ATAXIA-TELANGIECTASIA, COMPLEMENTATION GROUP A; ATAXIA-TELANGIECTASIA, FRESNO VARIANT; Ataxia-telangiectasia; Ataxia-telangiectasia, complementation group E. Identifiers: Orphanet 100, MedGen C0004135, MONDO:0008840, OMIM 208900.

Submission:

Labcorp Genetics (formerly Invitae), Labcorp
Classification: Uncertain significance for Ataxia-telangiectasia syndrome. Last evaluated: 2025-10-27. Review status: criteria provided, single submitter. Criteria: Invitae Variant Classification Sherloc (09022015). Collection method: clinical testing. Allele origin: germline.
Comment: This sequence change replaces cysteine, which is neutral and slightly polar, with arginine, which is basic and polar, at codon 2323 of the ATM protein (p.Cys2323Arg). This variant is not present in population databases (gnomAD no frequency). This variant has not been reported in the literature in individuals affected with ATM-related conditions. ClinVar contains an entry for this variant (Variation ID: 3720472). Invitae Evidence Modeling of protein sequence and biophysical properties (such as structural, functional, and spatial information, amino acid conservation, physicochemical variation, residue mobility, and thermodynamic stability) indicates that this missense variant is not expected to disrupt ATM protein function with a negative predictive value of 95%. In summary, the available evidence is currently insufficient to determine the role of this variant in disease. Therefore, it has been classified as a Variant of Uncertain Significance.